The following is an entry in ClinVar:

NM_144573.4(NEXN):c.1935C>G (p.Phe645Leu)

Gene: NEXN (nexilin F-actin binding protein; plus strand). Cytogenetic location: 1p31.1.
Variant type: single nucleotide variant.
Coding change: c.1935C>G on transcript NM_144573.4 (MANE Select); coding-DNA position 1935, C replaced by G.
Protein change: p.Phe645Leu; replaces phenylalanine 645 with leucine.
Molecular consequence: missense variant.
Genome position (GRCh38, 1-based): chr1:77,942,736, C>G. VCF-style: chr1-77942736-C-G. GRCh37 (hg19) VCF-style: chr1-78408421-C-G.
Other names: p.F645L:TTC>TTG; c.1743C>G, p.Phe581Leu (NM_001172309.2); short protein forms F645L, F581L.
Identifiers: ClinVar variation 201935 (VCV000201935.4), dbSNP rs794729086, ClinGen allele CA335445.
Genomic context (GRCh38, chr1:77,942,736, plus strand): 5'-AGAAGACTATCAATATATTGAAAGGGGAGAAACTTACTGCCTTTACTTACCAGAAACTTT[C>G]CCAGAAGATGGAGGAGAGTATATGTGTAAAGCAGTCAACAATAAAGGATCTGCAGCTAGT-3'
Protein context (NP_653174.3, residues 635-655): ETYCLYLPET[Phe645Leu]PEDGGEYMCK

ClinVar aggregate classification (germline): Conflicting classifications of pathogenicity. Review status: criteria provided, conflicting classifications (1 of 4 stars). 2 submissions from 2 submitters: Likely pathogenic (1); Uncertain significance (1). Last evaluated 2015-05-07.

gnomAD v4.1: 2 of 1,613,688 alleles (0.00012%); no homozygotes.

Submissions (2):

Stanford Center for Inherited Cardiovascular Disease, Stanford University
Classification: Uncertain significance. Last evaluated: 2015-05-07. Review status: criteria provided, single submitter. Criteria: ACMG Guidelines, 2015. Collection method: provider interpretation. Allele origin: germline.

GeneDx
Classification: Likely pathogenic. Last evaluated: 2013-08-12. Review status: criteria provided, single submitter. Criteria: GeneDx Variant Classification (06012015). Collection method: clinical testing. Allele origin: germline. Affected: yes.
Comment: p.Phe645Leu (TTC>TTG): c.1935 C>G in exon 13 of the NEXN gene (NM_144573.3). The Phe645Leu variant in the NEXN gene has not been reported as a disease-causing mutation or as a benign polymorphism to our knowledge. Phe645Leu results in a semi-conservative amino acid substitution of a large, non-polar Phenylalanine residue with a non-polar Leucine residue at a position that is conserved across species. In silico analysis predicts Phe645Leu is probably damaging to the protein structure/function. A mutation in a nearby residue (Tyr652Cys) has been reported in association with DCM, further supporting the functional importance of this region of the protein. Furthermore, the Phe645Leu variant was not observed in approximately 6,000 individuals of European and African American ancestry in the NHLBI Exome Sequencing Project, indicating it is not a common benign variant in these populations. In summary, while Phe645Leu is a good candidate for a disease-causing mutation, with the clinical and molecular information available at this time we cannot unequivocally determine the clinical significance of this variant. The variant is found in DCM panel(s).